The following is an entry in ClinVar:

NM_000435.3(NOTCH3):c.5554G>A (p.Ala1852Thr)

Gene: NOTCH3 (notch receptor 3; minus strand). Cytogenetic location: 19p13.12.
Variant type: single nucleotide variant.
Coding change: c.5554G>A on transcript NM_000435.3 (MANE Select); coding-DNA position 5554, G replaced by A.
Protein change: p.Ala1852Thr; replaces alanine 1852 with threonine.
Molecular consequence: missense variant.
Genome position (GRCh38, 1-based): chr19:15,165,900, C>T on the plus strand (G>A on the coding strand, the complement: NOTCH3 is on the minus strand). VCF-style: chr19-15165900-C-T. GRCh37 (hg19) VCF-style: chr19-15276711-C-T.
Other names: short protein forms A1852T.
Identifiers: ClinVar variation 1442995 (VCV001442995.11), dbSNP rs971318341, ClinGen allele CA305761435.

ClinVar aggregate classification (germline): Uncertain significance. Review status: criteria provided, multiple submitters, no conflicts (2 of 4 stars). 2 submissions from 2 submitters: Uncertain significance (2). Last evaluated 2021-12-04.

Allele frequency attached by ClinVar (database versions not stated): gnomAD exomes 0.00001 and 0.00002; TOPMed 0.00002; gnomAD 0.00003.
gnomAD v4.1: 26 of 1,614,040 alleles (0.0016%); highest among the groups gnomAD compares: Non-Finnish European, 0.002%; no homozygotes.

Submissions (2):

Centre of Medical Genetics, University Hospital Muenster
Classification: Uncertain significance. Last evaluated: 2021-12-04. Review status: criteria provided, single submitter. Criteria: ACMG Guidelines, 2015. Collection method: clinical testing. Allele origin: unknown. Affected: yes. Observed: 1 variant allele, 1 heterozygote.
Comment: ACMG categories: PM1,PM2,BP1

Labcorp Genetics (formerly Invitae), Labcorp
Classification: Uncertain significance. Last evaluated: 2021-04-27. Review status: criteria provided, single submitter. Criteria: Invitae Variant Classification Sherloc (09022015). Collection method: clinical testing. Allele origin: germline.
Comment: This variant has not been reported in the literature in individuals with NOTCH3-related conditions. This sequence change replaces alanine with threonine at codon 1852 of the NOTCH3 protein (p.Ala1852Thr). The alanine residue is highly conserved and there is a small physicochemical difference between alanine and threonine. This variant is not present in population databases (ExAC no frequency). Advanced modeling of protein sequence and biophysical properties (such as structural, functional, and spatial information, amino acid conservation, physicochemical variation, residue mobility, and thermodynamic stability) performed at Invitae indicates that this missense variant is not expected to disrupt NOTCH3 protein function. In summary, the available evidence is currently insufficient to determine the role of this variant in disease. Therefore, it has been classified as a Variant of Uncertain Significance.